The following is an entry in ClinVar:

NM_000057.4(BLM):c.572_573del (p.Arg191fs)

Gene: BLM (BLM RecQ like helicase; plus strand). Cytogenetic location: 15q26.1.
Variant type: Microsatellite.
Coding change: c.572_573del on transcript NM_000057.4 (MANE Select); coding-DNA positions 572 to 573, 2 bases deleted (GA; older notation c.572_573delGA).
Protein change: p.Arg191fs; shifts the reading frame from arginine 191.
Molecular consequence: frameshift variant. On other transcripts: 5 prime UTR variant (1).
Genome position (GRCh38, 1-based): chr15:90,749,840-90,749,841, GA deleted; deleting any 2 consecutive bases within chr15:90,749,837-90,749,841 gives the same sequence; the c. name uses the placement nearest the transcript's 3' end. VCF-style (leftmost placement, unchanged base first): chr15-90749836-AAG-A. GRCh37 (hg19) VCF-style: chr15-91293066-AAG-A.
Other names: c.572_573del, p.Arg191fs (NM_001287246.2, NM_001287247.2); c.-722GA[1] (NM_001287248.2); c.572_573delGA (NM_000057.3, NM_000057.2); short protein forms R191fs.
Identifiers: ClinVar variation 1074816 (VCV001074816.9), dbSNP rs2151147628, ClinGen allele CA2580613318.

ClinVar aggregate classification (germline): Pathogenic. Review status: criteria provided, multiple submitters, no conflicts (2 of 4 stars). 3 submissions from 3 submitters: Pathogenic (3). Last evaluated 2024-10-17.

Conditions:
Bloom syndrome (BLM). Also called: Bloom-Torre-Machacek syndrome. Identifiers: Orphanet 125, MedGen C0005859, MONDO:0008876, OMIM 210900.
Hereditary cancer-predisposing syndrome. Also called: Tumor predisposition; Hereditary neoplastic syndrome; Neoplastic Syndromes, Hereditary; Hereditary Cancer Syndrome. Identifiers: Orphanet 140162, MedGen C0027672, MeSH D009386, MONDO:0015356.

Submissions (3):

Natera, Inc.
Classification: Pathogenic for Bloom syndrome. Last evaluated: 2024-10-17. Review status: criteria provided, single submitter. Criteria: Natera Variant Classification Schema (03/2026). Collection method: clinical testing. Allele origin: germline.
Comment: The c.572_573delGA variant in BLM is a frameshift variant predicted to shift the reading frame beginning at codon 191 and leads to a stop codon 4 codons downstream. This variant is expected to result in nonsense mediated decay, truncation, or a dysfunctional protein product. This variant is rare in the general population with a frequency below the threshold expected for the associated phenotype(s). This variant has been observed in one or more individuals affected with the associated recessive disease, as either homozygous or compound heterozygous with a second variant (PMID: 35218564). Given the available evidence, this variant is classified as Pathogenic.

Labcorp Genetics (formerly Invitae), Labcorp
Classification: Pathogenic for Bloom syndrome. Last evaluated: 2024-09-18. Review status: criteria provided, single submitter. Criteria: Invitae Variant Classification Sherloc (09022015). Collection method: clinical testing. Allele origin: germline.
Comment: This sequence change creates a premature translational stop signal (p.Arg191Lysfs*4) in the BLM gene. It is expected to result in an absent or disrupted protein product. Loss-of-function variants in BLM are known to be pathogenic (PMID: 17407155). This variant is not present in population databases (gnomAD no frequency). This variant has not been reported in the literature in individuals affected with BLM-related conditions. For these reasons, this variant has been classified as Pathogenic.

Ambry Genetics
Classification: Pathogenic for Hereditary cancer-predisposing syndrome. Last evaluated: 2023-12-07. Review status: criteria provided, single submitter. Criteria: Ambry Variant Classification Scheme 2023. Collection method: clinical testing. Allele origin: germline.
Comment: The c.572_573delGA pathogenic mutation, located in coding exon 2 of the BLM gene, results from a deletion of two nucleotides at nucleotide positions 572 to 573, causing a translational frameshift with a predicted alternate stop codon (p.R191Kfs*4). This alteration is expected to result in loss of function by premature protein truncation or nonsense-mediated mRNA decay. As such, this alteration is interpreted as a disease-causing mutation.

Literature cited by the submitters: PubMed 35218564 (cited by Natera, Inc.); PubMed 17407155 (cited by Labcorp Genetics (formerly Invitae), Labcorp).